The following is an entry in ClinVar:

NM_021224.6(ZNF462):c.6561T>C (p.Thr2187=)

Gene: ZNF462 (zinc finger protein 462; plus strand). Cytogenetic location: 9q31.2.
Variant type: single nucleotide variant.
Coding change: c.6561T>C on transcript NM_021224.6 (MANE Select); coding-DNA position 6561, T replaced by C.
Protein change: p.Thr2187=; no amino-acid change (threonine 2187 retained).
Molecular consequence: synonymous variant.
Genome position (GRCh38, 1-based): chr9:106,972,138, T>C. VCF-style: chr9-106972138-T-C. GRCh37 (hg19) VCF-style: chr9-109734419-T-C.
Other names: c.3966T>C, p.Thr1322= (NM_001347997.2).
Identifiers: ClinVar variation 2579070 (VCV002579070.25), dbSNP rs146088874, ClinGen allele CA5172262.
Genomic context (GRCh38, chr9:106,972,138, plus strand): 5'-CAACAGCCGTGTTAGCCCTGTGCCTCTTTCTGGGGCTGCTGCTGGCACTGAGCAGAAAAC[T>C]GAAGCCGTGCTTCACTGCGAATTCTGTGAATTCTCCTCCGGCTACATCCAGAGCATCAGG-3'
Protein context (NP_067047.4, residues 2177-2197): SGAAAGTEQK[Thr2187=]EAVLHCEFCE

ClinVar aggregate classification (germline): Likely benign (1 of 4 stars; one submission).

Allele frequency attached by ClinVar (database versions not stated): ESP Exome Variant Server 0.00008; gnomAD 0.00019; ExAC 0.00021; TOPMed 0.00026; 1000 Genomes Project 30x 0.00031; gnomAD exomes 0.00039; 1000 Genomes Project 0.00040.
gnomAD v4.1: 608 of 1,614,212 alleles (0.038%); highest among the groups gnomAD compares: Non-Finnish European, 0.047%; no homozygotes.

Submission:

CeGaT Center for Human Genetics Tuebingen
Classification: Likely benign. Last evaluated: 2024-06-01. Review status: criteria provided, single submitter. Criteria: CeGaT Center For Human Genetics Tuebingen Variant Classification Criteria Version 2. Collection method: clinical testing. Allele origin: germline. Affected: yes. Observed: 2 variant alleles.
Comment: ZNF462: BP4, BP7